The following is an entry in ClinVar:

ClinVar aggregate classification (germline): Uncertain significance. Review status: criteria provided, multiple submitters, no conflicts (2 of 4 stars). 2 submissions from 2 submitters: Uncertain significance (2). Last evaluated 2024-03-04.

Conditions:
Colorectal cancer, susceptibility to, 1. Also called: COLORECTAL ADENOMA AND CANCER, SUSCEPTIBILITY TO; COLORECTAL CANCER, SUSCEPTIBILITY TO, ON CHROMOSOME 9. Identifiers: MedGen C1837315, MONDO:0012132, OMIM 608812.

Submissions (2):

Baylor Genetics
Classification: Uncertain significance for Colorectal cancer, susceptibility to, 1. Last evaluated: 2024-03-04. Review status: criteria provided, single submitter. Criteria: ACMG Guidelines, 2015. Collection method: clinical testing. Allele origin: unknown.

Ambry Genetics
Classification: Uncertain significance. Last evaluated: 2023-05-03. Review status: criteria provided, single submitter. Criteria: Ambry Variant Classification Scheme 2023. Collection method: clinical testing. Allele origin: germline.
Comment: The p.A378S variant (also known as c.1132G>T), located in coding exon 6 of the GALNT12 gene, results from a G to T substitution at nucleotide position 1132. The alanine at codon 378 is replaced by serine, an amino acid with similar properties. This amino acid position is highly conserved in available vertebrate species. In addition, this alteration is predicted to be tolerated by in silico analysis. The evidence for this gene-disease relationship is limited; therefore, the clinical significance of this alteration is unclear.

NM_024642.5(GALNT12):c.1132G>T (p.Ala378Ser)

Gene: GALNT12 (polypeptide N-acetylgalactosaminyltransferase 12; plus strand). Cytogenetic location: 9q22.33.
Variant type: single nucleotide variant.
Coding change: c.1132G>T on transcript NM_024642.5 (MANE Select); coding-DNA position 1132, G replaced by T.
Protein change: p.Ala378Ser; replaces alanine 378 with serine.
Molecular consequence: missense variant.
Genome position (GRCh38, 1-based): chr9:98,837,068, G>T. VCF-style: chr9-98837068-G-T. GRCh37 (hg19) VCF-style: chr9-101599350-G-T.
Other names: short protein forms A378S.
Identifiers: ClinVar variation 1728905 (VCV001728905.4), dbSNP rs1588453921, ClinGen allele CA374219859.